The following is an entry in ClinVar:

NM_017570.5(OPLAH):c.2813G>A (p.Gly938Glu)

Gene: OPLAH (5-oxoprolinase, ATP-hydrolysing; minus strand). Cytogenetic location: 8q24.3.
Variant type: single nucleotide variant.
Coding change: c.2813G>A on transcript NM_017570.5 (MANE Select); coding-DNA position 2813, G replaced by A.
Protein change: p.Gly938Glu; replaces glycine 938 with glutamic acid.
Molecular consequence: missense variant.
Genome position (GRCh38, 1-based): chr8:144,053,267, C>T on the plus strand (G>A on the coding strand, the complement: OPLAH is on the minus strand). VCF-style: chr8-144053267-C-T. GRCh37 (hg19) VCF-style: chr8-145108170-C-T.
Other names: short protein forms G938E.
Identifiers: ClinVar variation 4987194 (VCV004987194.1).

ClinVar aggregate classification (germline): Uncertain significance (1 of 4 stars; one submission).

Conditions:
OPLAH-related disorder. Also called: OPLAH-related condition.

gnomAD v4.1: 16 of 1,612,920 alleles (0.00099%); highest among the groups gnomAD compares: African/African-American, 0.015%; no homozygotes.

Submission:

PreventionGenetics, part of Exact Sciences
Classification: Uncertain significance for OPLAH-related condition. Last evaluated: 2025-12-14. Review status: criteria provided, single submitter. Criteria: ACMG Guidelines, 2015. Collection method: clinical testing. Allele origin: germline.
Comment: The OPLAH c.2813G>A variant is predicted to result in the amino acid substitution p.Gly938Glu. To our knowledge, this variant has not been reported in the literature or in a large population database (gnomAD), indicating this variant is rare. At this time, the clinical significance of this variant is uncertain due to the absence of conclusive functional and genetic evidence.